The following is an entry in ClinVar:

NM_152424.4(AMER1):c.694del (p.Gln232fs)

Gene: AMER1 (APC membrane recruitment protein 1; minus strand). Cytogenetic location: Xq11.2.
Variant type: Deletion.
Coding change: c.694del on transcript NM_152424.4 (MANE Select); coding-DNA position 694, one base deleted (C; older notation c.694delC).
Protein change: p.Gln232fs; shifts the reading frame from glutamine 232.
Molecular consequence: frameshift variant.
Genome position (GRCh38, 1-based): chrX:64,192,593, G deleted on the plus strand (C on the coding strand, the reverse complement: AMER1 is on the minus strand); the first of 5 consecutive G bases (chrX:64,192,593-64,192,597); deleting any one gives the same sequence. VCF-style (leftmost placement, unchanged base first): chrX-64192592-TG-T. GRCh37 (hg19) VCF-style: chrX-63412472-TG-T.
Other names: c.694delC (NM_152424.4); short protein forms Q232fs.
Identifiers: ClinVar variation 3377319 (VCV003377319.3).

ClinVar aggregate classification (germline): Pathogenic. Review status: criteria provided, multiple submitters, no conflicts (2 of 4 stars). 2 submissions from 2 submitters: Pathogenic (2). Last evaluated 2024-10-09.

Conditions:
Osteopathia striata with cranial sclerosis (OSCS). Also called: HYPEROSTOSIS GENERALISATA WITH STRIATIONS. Identifiers: Orphanet 2780, MedGen C0432268, MONDO:0010310, OMIM 300373.

Submissions (2):

Victorian Clinical Genetics Services, Murdoch Childrens Research Institute
Classification: Pathogenic for Osteopathia striata with cranial sclerosis. Last evaluated: 2024-10-09. Review status: criteria provided, single submitter. Criteria: ACMG Guidelines, 2015. Collection method: clinical testing. Allele origin: germline. Inheritance: X-linked dominant inheritance. Affected: yes.
Comment: Based on the classification scheme VCGS_Germline_v1.3.4, this variant is classified as Pathogenic. Following criteria are met: 0102 - Loss of function is likely a mechanism of disease in this gene and is associated with osteopathia striata with cranial sclerosis (MIM#300373). (I) 0110 - This gene is associated with X-linked dominant disease. (I) 0204 - Variant is predicted to result in a truncated protein (premature termination codon is NOT located at least 54 nucleotides upstream of the final exon-exon junction) with at least 1/3 of the protein sequence affected. (SP) 0251 - This variant is heterozygous. (I) 0301 - Variant is absent from gnomAD (both v2 and v3). (SP) 0600 - Variant is located in the affected AMER domain (DECIPHER). (I) 0701 - Other protein truncating variants comparable to the one identified in this case have very strong previous evidence for pathogenicity. There are many downstream truncating variants that have been reported as pathogenic in ClinVar. (SP) 0807 - This variant has no previous evidence of pathogenicity. (I) 0905 - No published segregation evidence has been identified for this variant. (I) 1007 - No published functional evidence has been identified for this variant. (SP) Legend: (SP) - Supporting pathogenic, (I) - Information, (SB) - Supporting benign

Labcorp Genetics (formerly Invitae), Labcorp
Classification: Pathogenic. Last evaluated: 2024-09-27. Review status: criteria provided, single submitter. Criteria: Invitae Variant Classification Sherloc (09022015). Collection method: clinical testing. Allele origin: germline.
Comment: This sequence change creates a premature translational stop signal (p.Gln232Lysfs*50) in the AMER1 gene. While this is not anticipated to result in nonsense mediated decay, it is expected to disrupt the last 904 amino acid(s) of the AMER1 protein. This variant is not present in population databases (gnomAD no frequency). This variant has not been reported in the literature in individuals affected with AMER1-related conditions. This variant disrupts a region of the AMER1 protein in which other variant(s) (p.Arg497*) have been determined to be pathogenic (PMID: 19079258, 22043478). This suggests that this is a clinically significant region of the protein, and that variants that disrupt it are likely to be disease-causing. For these reasons, this variant has been classified as Pathogenic.

Literature cited by the submitters: PubMed 19079258 (cited by Labcorp Genetics (formerly Invitae), Labcorp); PubMed 22043478 (cited by Labcorp Genetics (formerly Invitae), Labcorp).